The following is an entry in ClinVar:

ClinVar aggregate classification (germline): Uncertain significance (1 of 4 stars; one submission).

gnomAD v4.1: 1 of 1,211,785 alleles (0.000083%); highest among the groups gnomAD compares: Admixed American, 0.0022%; no homozygotes.

Submission:

GeneDx
Classification: Uncertain significance. Last evaluated: 2026-08-12. Review status: criteria provided, single submitter. Criteria: GeneDx Variant Classification Process June 2021. Collection method: clinical testing. Allele origin: germline.
Comment: In silico analysis supports that this missense variant has a deleterious effect on protein structure/function; Has not been previously published as pathogenic or benign to our knowledge

NM_004187.5(KDM5C):c.4186C>T (p.Arg1396Trp)

Gene: KDM5C (lysine demethylase 5C; minus strand). Cytogenetic location: Xp11.22.
Variant type: single nucleotide variant.
Coding change: c.4186C>T on transcript NM_004187.5 (MANE Select); coding-DNA position 4186, C replaced by T.
Protein change: p.Arg1396Trp; replaces arginine 1396 with tryptophan.
Molecular consequence: missense variant. On other transcripts: non-coding transcript variant (3).
Genome position (GRCh38, 1-based): chrX:53,193,568, G>A on the plus strand (C>T on the coding strand, the complement: KDM5C is on the minus strand). VCF-style: chrX-53193568-G-A. GRCh37 (hg19) VCF-style: chrX-53222750-G-A.
Other names: c.4174C>T, p.Arg1392Trp (NM_001353982.2); c.4177C>T, p.Arg1393Trp (NM_001353984.2, NM_001353978.3, NM_001353981.2); c.3976C>T, p.Arg1326Trp (NM_001146702.2); c.4183C>T, p.Arg1395Trp (NM_001282622.3, NM_001353979.2); short protein forms R1326W, R1392W, R1393W, R1395W, R1396W.
Identifiers: ClinVar variation 3252382 (VCV003252382.2), dbSNP rs782171515.